The following is an entry in ClinVar:

NM_001375883.1(GPR161):c.1054C>T (p.Arg352Ter)

Gene: GPR161 (G protein-coupled receptor 161; minus strand). Cytogenetic location: 1q24.2.
Variant type: single nucleotide variant.
Coding change: c.1054C>T on transcript NM_001375883.1 (MANE Select); coding-DNA position 1054, C replaced by T.
Protein change: p.Arg352Ter; replaces arginine 352 with a stop codon.
Molecular consequence: nonsense.
Genome position (GRCh38, 1-based): chr1:168,096,553, G>A on the plus strand (C>T on the coding strand, the complement: GPR161 is on the minus strand). VCF-style: chr1-168096553-G-A. GRCh37 (hg19) VCF-style: chr1-168065791-G-A.
Other names: c.820C>T, p.Arg274Ter (NM_001267613.1); c.712C>T, p.Arg238Ter (NM_001267614.1); c.1054C>T, p.Arg352Ter (NM_001349632.1, NM_001349633.1, NM_001349634.1 and 5 more transcripts); c.658C>T, p.Arg220Ter (NM_001349635.1, NM_001267612.2); c.1114C>T, p.Arg372Ter (NM_001267609.1); c.1105C>T, p.Arg369Ter (NM_001267611.1); short protein forms R238*, R352*, R369*, R220*, R274*, R372*.
Identifiers: ClinVar variation 3719114 (VCV003719114.2).

ClinVar aggregate classification (germline): Uncertain significance (1 of 4 stars; one submission).

gnomAD v4.1: 31 of 1,614,018 alleles (0.0019%); highest among the groups gnomAD compares: African/African-American, 0.0027%; no homozygotes.

Submission:

Labcorp Genetics (formerly Invitae), Labcorp
Classification: Uncertain significance. Last evaluated: 2025-01-11. Review status: criteria provided, single submitter. Criteria: Invitae Variant Classification Sherloc (09022015). Collection method: clinical testing. Allele origin: germline.
Comment: This sequence change creates a premature translational stop signal (p.Arg372*) in the GPR161 gene. It is expected to result in an absent or disrupted protein product. However, the current clinical and genetic evidence is not sufficient to establish whether loss-of-function variants in GPR161 cause disease. This variant is present in population databases (no rsID available, gnomAD 0.006%). This variant has not been reported in the literature in individuals affected with GPR161-related conditions. In summary, the available evidence is currently insufficient to determine the role of this variant in disease. Therefore, it has been classified as a Variant of Uncertain Significance.